The following is an entry in ClinVar:

ClinVar aggregate classification (germline): Conflicting classifications of pathogenicity. Review status: criteria provided, conflicting classifications (1 of 4 stars). 2 submissions from 2 submitters: Uncertain significance (1); Likely benign (1). Last evaluated 2026-01-26.

Allele frequency attached by ClinVar (database versions not stated): gnomAD 0.00005 and 0.00012; gnomAD exomes 0.00007 and 0.00021; TOPMed 0.00009; ExAC 0.00026; 1000 Genomes Project 30x 0.00156; 1000 Genomes Project 0.00160.
gnomAD v4.1: 129 of 1,613,644 alleles (0.008%); highest among the groups gnomAD compares: East Asian, 0.13%; no homozygotes.

Submissions (2):

Labcorp Genetics (formerly Invitae), Labcorp
Classification: Likely benign. Last evaluated: 2026-01-26. Review status: criteria provided, single submitter. Criteria: Invitae Variant Classification Sherloc (09022015). Collection method: clinical testing. Allele origin: germline.

GeneDx
Classification: Uncertain significance. Last evaluated: 2020-01-16. Review status: criteria provided, single submitter. Criteria: GeneDx Variant Classification Process June 2021. Collection method: clinical testing. Allele origin: germline. Affected: yes.
Comment: In silico analysis, which includes protein predictors and evolutionary conservation, supports that this variant does not alter protein structure/function; This variant is associated with the following publications: (PMID: 30968248)

NM_002615.7(SERPINF1):c.427G>A (p.Val143Ile)

Gene: SERPINF1 (serpin family F member 1; plus strand). Cytogenetic location: 17p13.3.
Variant type: single nucleotide variant.
Coding change: c.427G>A on transcript NM_002615.7 (MANE Select); coding-DNA position 427, G replaced by A.
Protein change: p.Val143Ile; replaces valine 143 with isoleucine.
Molecular consequence: missense variant. On other transcripts: 5 prime UTR variant (1).
Genome position (GRCh38, 1-based): chr17:1,771,172, G>A. VCF-style: chr17-1771172-G-A. GRCh37 (hg19) VCF-style: chr17-1674466-G-A.
Other names: c.427G>A, p.Val143Ile (NM_001329903.2); c.-135G>A (NM_001329904.2); short protein forms V143I.
Identifiers: ClinVar variation 738397 (VCV000738397.10), dbSNP rs548418598, ClinGen allele CA8274674.